The following is an entry in ClinVar:

NM_001369268.1(ACAN):c.1288G>C (p.Ala430Pro)

Gene: ACAN (aggrecan; plus strand). Cytogenetic location: 15q26.1.
Variant type: single nucleotide variant.
Coding change: c.1288G>C on transcript NM_001369268.1 (MANE Select); coding-DNA position 1288, G replaced by C.
Protein change: p.Ala430Pro; replaces alanine 430 with proline.
Molecular consequence: missense variant.
Genome position (GRCh38, 1-based): chr15:88,845,741, G>C. VCF-style: chr15-88845741-G-C. GRCh37 (hg19) VCF-style: chr15-89388972-G-C.
Other names: c.1288G>C, p.Ala430Pro (NM_001135.4, NM_001411096.1, NM_001411097.1 and 1 more transcripts); short protein forms A430P.
Identifiers: ClinVar variation 3658686 (VCV003658686.2).
Genomic context (GRCh38, chr15:88,845,741, plus strand): 5'-AGTCCCCTGGAACCCGAGGAGCCCTTCACGTTTGCCCCTGAAATAGGGGCCACTGCCTTC[G>C]CTGAGGTTGAGAATGAGACTGGAGAGGCCACCAGGCCCTGGGGCTTTCCCACACCTGGCC-3'
Protein context (NP_001356197.1, residues 420-440): FAPEIGATAF[Ala430Pro]EVENETGEAT

ClinVar aggregate classification (germline): Uncertain significance (1 of 4 stars; one submission).

Submission:

Labcorp Genetics (formerly Invitae), Labcorp
Classification: Uncertain significance. Last evaluated: 2024-07-03. Review status: criteria provided, single submitter. Criteria: Invitae Variant Classification Sherloc (09022015). Collection method: clinical testing. Allele origin: germline.
Comment: This sequence change replaces alanine, which is neutral and non-polar, with proline, which is neutral and non-polar, at codon 430 of the ACAN protein (p.Ala430Pro). This variant is not present in population databases (gnomAD no frequency). This variant has not been reported in the literature in individuals affected with ACAN-related conditions. Advanced modeling of protein sequence and biophysical properties (such as structural, functional, and spatial information, amino acid conservation, physicochemical variation, residue mobility, and thermodynamic stability) performed at Invitae indicates that this missense variant is not expected to disrupt ACAN protein function with a negative predictive value of 80%. In summary, the available evidence is currently insufficient to determine the role of this variant in disease. Therefore, it has been classified as a Variant of Uncertain Significance.